The following is an entry in ClinVar:

NM_145290.4(ADGRA3):c.3233A>G (p.Asn1078Ser)

Gene: ADGRA3 (adhesion G protein-coupled receptor A3; minus strand). Cytogenetic location: 4p15.2.
Variant type: single nucleotide variant.
Coding change: c.3233A>G on transcript NM_145290.4 (MANE Select); coding-DNA position 3233, A replaced by G.
Protein change: p.Asn1078Ser; replaces asparagine 1078 with serine.
Molecular consequence: missense variant.
Genome position (GRCh38, 1-based): chr4:22,388,438, T>C on the plus strand (A>G on the coding strand, the complement: ADGRA3 is on the minus strand). VCF-style: chr4-22388438-T-C. GRCh37 (hg19) VCF-style: chr4-22390061-T-C.
Other names: c.3233A>G (NM_145290.2); short protein forms N1078S.
Identifiers: ClinVar variation 863946 (VCV000863946.10), dbSNP rs370347164, ClinGen allele CA2873410.

ClinVar aggregate classification (germline): Conflicting classifications of pathogenicity. Review status: criteria provided, conflicting classifications (1 of 4 stars). 4 submissions from 4 submitters: Uncertain significance (2); Likely benign (1). 1 of the submissions does not count toward it. Last evaluated 2025-02-20.

Conditions:
Retinal dystrophy. Also called: Inherited retinal dystrophy. Identifiers: Orphanet 71862, MedGen C0854723, MeSH D058499, MONDO:0019118, HP:0000556.

Allele frequency attached by ClinVar (database versions not stated): ExAC 0.00006; gnomAD 0.00007; gnomAD exomes 0.00007 and 0.00017; ESP Exome Variant Server 0.00008; TOPMed 0.00008.
gnomAD v4.1: 250 of 1,613,672 alleles (0.015%); highest among the groups gnomAD compares: Non-Finnish European, 0.02%; 1 homozygote.

Submissions (4):

Labcorp Genetics (formerly Invitae), Labcorp
Classification: Uncertain significance. Last evaluated: 2025-02-20. Review status: criteria provided, single submitter. Criteria: Invitae Variant Classification Sherloc (09022015). Collection method: clinical testing. Allele origin: germline.
Comment: This sequence change replaces asparagine, which is neutral and polar, with serine, which is neutral and polar, at codon 1078 of the ADGRA3 protein (p.Asn1078Ser). This variant is present in population databases (rs370347164, gnomAD 0.01%). This variant has not been reported in the literature in individuals affected with ADGRA3-related conditions. ClinVar contains an entry for this variant (Variation ID: 863946). An algorithm developed to predict the effect of missense changes on protein structure and function outputs the following: PolyPhen-2: "Benign". The serine amino acid residue is found in multiple mammalian species, which suggests that this missense change does not adversely affect protein function. In summary, the available evidence is currently insufficient to determine the role of this variant in disease. Therefore, it has been classified as a Variant of Uncertain Significance.

Ambry Genetics
Classification: Likely benign. Last evaluated: 2022-02-03. Review status: criteria provided, single submitter. Criteria: Ambry Variant Classification Scheme 2023. Collection method: clinical testing. Allele origin: germline.

Breakthrough Genomics
Classification: Uncertain significance. Review status: criteria provided, single submitter. Criteria: ACMG Guidelines, 2015. Collection method: not provided. Allele origin: germline. Inheritance: Unknown mechanism. Affected: yes.

Institute of Human Genetics, Univ. Regensburg, Univ. Regensburg
Classification: Uncertain significance for Retinal dystrophy. Last evaluated: 2022-01-01. Review status: no assertion criteria provided. Criteria: ACMG Guidelines, 2015. Collection method: clinical testing. Allele origin: germline. Affected: yes. Not counted in ClinVar's aggregate classification.